The following is an entry in ClinVar:

CM000668.1:g.112955668_112968423dup

Variant type: Duplication.
Identifiers: ClinVar variation 157024 (VCV000157024.2).

ClinVar aggregate classification (germline): not provided (0 of 4 stars; one submission).

Conditions:
Small for gestational age. Also called: Low birth weight. Identifiers: MedGen C0235991, HP:0001518.

Submission:

Institute of Molecular and Cell Biology, University of Tartu
No classification provided. Condition: Small for gestational age. Review status: no classification provided. Collection method: case-control. Allele origin: unknown. Affected: yes. Study: Kasak2014.
Comment: The study aimed to determine the contribution of copy number variants in the genetic etiology of normal and complicated pregnancies. The samples represented (i) maternal blood DNA drawn from healthy pregnant women during 1st or 2nd trimester and (ii) maternal and paternal blood DNA drawn at term pregnancy cases representing normal and complicated gestations (severe preeclampsia, PE; gestational diabetes, GD; small-for-gestational age newborn, SGA; large-for-gestational age newborn, LGA). We performed CNV calling based on genome-wide genotyping dataset (Illumina HumanOmniExpress-24-v1 BeadChip) by applying three algorithms, QuantiSNP, GADA (Genome Alteration Detection Algorithm) and CNstream in parallel. The acquired CNV calls were merged with HD-CNV (Hotspot Detector for Copy Number Variants) program and only the CNVs predicted by at least two programs, were considered in subsequent analysis.

Literature cited by the submitters: PubMed 25666259.